The following is an entry in ClinVar:

NM_000363.5(TNNI3):c.303C>A (p.His101Gln)

Gene: TNNI3 (troponin I3, cardiac type; minus strand). Cytogenetic location: 19q13.42.
Variant type: single nucleotide variant.
Coding change: c.303C>A on transcript NM_000363.5 (MANE Select); coding-DNA position 303, C replaced by A.
Protein change: p.His101Gln; replaces histidine 101 with glutamine.
Molecular consequence: missense variant.
Genome position (GRCh38, 1-based): chr19:55,154,810, G>T on the plus strand (C>A on the coding strand, the complement: TNNI3 is on the minus strand). VCF-style: chr19-55154810-G-T. GRCh37 (hg19) VCF-style: chr19-55666178-G-T.
Other names: short protein forms H101Q.
Identifiers: ClinVar variation 3699389 (VCV003699389.3).

ClinVar aggregate classification (germline): Uncertain significance. Review status: criteria provided, multiple submitters, no conflicts (2 of 4 stars). 2 submissions from 2 submitters: Uncertain significance (2). Last evaluated 2025-01-18.

Conditions:
Cardiovascular phenotype. Identifiers: MedGen CN230736.
Hypertrophic cardiomyopathy. Also called: HYPERTROPHIC MYOCARDIOPATHY. Identifiers: Orphanet 217569, MedGen C0007194, MeSH D002312, MONDO:0005045, HP:0001639.

Submissions (2):

Ambry Genetics
Classification: Uncertain significance for Cardiovascular phenotype. Last evaluated: 2025-01-18. Review status: criteria provided, single submitter. Criteria: Ambry Variant Classification Scheme 2023. Collection method: clinical testing. Allele origin: germline.
Comment: The p.H101Q variant (also known as c.303C>A), located in coding exon 6 of the TNNI3 gene, results from a C to A substitution at nucleotide position 303. The histidine at codon 101 is replaced by glutamine, an amino acid with highly similar properties. This amino acid position is well conserved in available vertebrate species. In addition, this alteration is predicted to be deleterious by in silico analysis. Based on the available evidence, the clinical significance of this variant remains unclear.

Labcorp Genetics (formerly Invitae), Labcorp
Classification: Uncertain significance for Hypertrophic cardiomyopathy. Last evaluated: 2024-06-24. Review status: criteria provided, single submitter. Criteria: Invitae Variant Classification Sherloc (09022015). Collection method: clinical testing. Allele origin: germline.
Comment: This sequence change replaces histidine, which is basic and polar, with glutamine, which is neutral and polar, at codon 101 of the TNNI3 protein (p.His101Gln). This variant is not present in population databases (gnomAD no frequency). This variant has not been reported in the literature in individuals affected with TNNI3-related conditions. An algorithm developed to predict the effect of missense changes on protein structure and function (PolyPhen-2) suggests that this variant is likely to be disruptive. In summary, the available evidence is currently insufficient to determine the role of this variant in disease. Therefore, it has been classified as a Variant of Uncertain Significance.